The following is an entry in ClinVar:

NM_205850.3(SLC24A5):c.1503A>G (p.Ter501Trp)

Genes: MYEF2 (myelin expression factor 2; minus strand), SLC24A5 (solute carrier family 24 member 5; plus strand). Cytogenetic location: 15q21.1.
Variant type: single nucleotide variant.
Coding change: c.1503A>G on transcript NM_205850.3 (MANE Select); coding-DNA position 1503, A replaced by G.
Protein change: p.Ter501Trp.
Molecular consequence: stop lost. On other transcripts: 3 prime UTR variant (2).
Genome position (GRCh38, 1-based): chr15:48,142,351, A>G. VCF-style: chr15-48142351-A-G. GRCh37 (hg19) VCF-style: chr15-48434548-A-G.
Other names: c.*557T>C (NM_001301210.2, NM_016132.5).
Identifiers: ClinVar variation 2062089 (VCV002062089.2), dbSNP rs925677408, ClinGen allele CA7546145.

ClinVar aggregate classification (germline): Uncertain significance (1 of 4 stars; one submission).

Allele frequency attached by ClinVar (database versions not stated): gnomAD exomes below 0.00001; ExAC 0.00001.
gnomAD v4.1: 2 of 1,574,372 alleles (0.00013%); highest among the groups gnomAD compares: Admixed American, 0.0018%; no homozygotes.

Submission:

Labcorp Genetics (formerly Invitae), Labcorp
Classification: Uncertain significance. Last evaluated: 2022-08-06. Review status: criteria provided, single submitter. Criteria: Invitae Variant Classification Sherloc (09022015). Collection method: clinical testing. Allele origin: germline.
Comment: In summary, the available evidence is currently insufficient to determine the role of this variant in disease. Therefore, it has been classified as a Variant of Uncertain Significance. This variant has not been reported in the literature in individuals affected with SLC24A5-related conditions. This variant is present in population databases (no rsID available, gnomAD 0.007%). This sequence change disrupts the translational stop signal of the SLC24A5 mRNA. It is expected to extend the length of the SLC24A5 protein by 3 additional amino acid residues.